The following is an entry in ClinVar:

ClinVar aggregate classification (germline): Uncertain significance (1 of 4 stars; one submission).

Submission:

CeGaT Center for Human Genetics Tuebingen
Classification: Uncertain significance. Last evaluated: 2023-06-01. Review status: criteria provided, single submitter. Criteria: CeGaT Center For Human Genetics Tuebingen Variant Classification Criteria Version 2. Collection method: clinical testing. Allele origin: germline. Affected: yes. Observed: 1 variant allele.
Comment: CARMIL2: PM2

NM_001013838.3(CARMIL2):c.1949C>A (p.Ser650Tyr)

Gene: CARMIL2 (capping protein regulator and myosin 1 linker 2; plus strand). Cytogenetic location: 16q22.1.
Variant type: single nucleotide variant.
Coding change: c.1949C>A on transcript NM_001013838.3 (MANE Select); coding-DNA position 1949, C replaced by A.
Protein change: p.Ser650Tyr; replaces serine 650 with tyrosine.
Molecular consequence: missense variant.
Genome position (GRCh38, 1-based): chr16:67,649,835, C>A. VCF-style: chr16-67649835-C-A. GRCh37 (hg19) VCF-style: chr16-67683738-C-A.
Other names: c.1841C>A, p.Ser614Tyr (NM_001317026.3); short protein forms S614Y, S650Y.
Identifiers: ClinVar variation 2570946 (VCV002570946.27), dbSNP rs755893425, ClinGen allele CA396339333.